The following is an entry in ClinVar:

ClinVar aggregate classification (germline): Uncertain significance (1 of 4 stars; one submission).

gnomAD v4.1: 1 of 1,560,164 alleles (0.000064%); highest among the groups gnomAD compares: African/African-American, 0.0014%; no homozygotes.

Submission:

Labcorp Genetics (formerly Invitae), Labcorp
Classification: Uncertain significance. Last evaluated: 2024-01-31. Review status: criteria provided, single submitter. Criteria: Invitae Variant Classification Sherloc (09022015). Collection method: clinical testing. Allele origin: germline.
Comment: This sequence change replaces glycine, which is neutral and non-polar, with alanine, which is neutral and non-polar, at codon 384 of the TCF3 protein (p.Gly384Ala). The frequency data for this variant in the population databases is considered unreliable, as metrics indicate poor data quality at this position in the gnomAD database. This variant has not been reported in the literature in individuals affected with TCF3-related conditions. Advanced modeling of protein sequence and biophysical properties (such as structural, functional, and spatial information, amino acid conservation, physicochemical variation, residue mobility, and thermodynamic stability) performed at Invitae indicates that this missense variant is not expected to disrupt TCF3 protein function with a negative predictive value of 80%. In summary, the available evidence is currently insufficient to determine the role of this variant in disease. Therefore, it has been classified as a Variant of Uncertain Significance.

NM_003200.5(TCF3):c.1151G>C (p.Gly384Ala)

Gene: TCF3 (transcription factor 3; minus strand). Cytogenetic location: 19p13.3.
Variant type: single nucleotide variant.
Coding change: c.1151G>C on transcript NM_003200.5 (MANE Select); coding-DNA position 1151, G replaced by C.
Protein change: p.Gly384Ala; replaces glycine 384 with alanine.
Molecular consequence: missense variant.
Genome position (GRCh38, 1-based): chr19:1,619,796, C>G on the plus strand (G>C on the coding strand, the complement: TCF3 is on the minus strand). VCF-style: chr19-1619796-C-G. GRCh37 (hg19) VCF-style: chr19-1619795-C-G.
Other names: c.1151G>C, p.Gly384Ala (NM_001136139.4, NM_001351778.2, NM_001351779.2); short protein forms G384A.
Identifiers: ClinVar variation 3637932 (VCV003637932.2).
Genomic context (GRCh38, chr19:1,619,796, plus strand): 5'-AATTCTGTCGGGGAAGGGTGGGGTGGGGCGGGGCAGGCACTCACCAGGCCGTGGAGACCC[C>G]CGTCGTAGCTGGGCGATAAGGCACCGGGGGCTCCTGCTCGAGGCCACTGTGACGTTCCTG-3'
Protein context (NP_003191.1, residues 374-394): APGALSPSYD[Gly384Ala]GLHGLQSKIE